The following is an entry in ClinVar:

NM_006947.4(SRP72):c.770C>G (p.Pro257Arg)

Gene: SRP72 (signal recognition particle 72; plus strand). Cytogenetic location: 4q12.
Variant type: single nucleotide variant.
Coding change: c.770C>G on transcript NM_006947.4 (MANE Select); coding-DNA position 770, C replaced by G.
Protein change: p.Pro257Arg; replaces proline 257 with arginine.
Molecular consequence: missense variant. On other transcripts: non-coding transcript variant (1), intron variant (1).
Genome position (GRCh38, 1-based): chr4:56,478,594, C>G. VCF-style: chr4-56478594-C-G. GRCh37 (hg19) VCF-style: chr4-57344760-C-G.
Other names: c.642+1892C>G (NM_001267722.2); c.770C>G (NM_006947.3); short protein forms P257R.
Identifiers: ClinVar variation 2873594 (VCV002873594.7), dbSNP rs1312827624, ClinGen allele CA356998042.

ClinVar aggregate classification (germline): Uncertain significance. Review status: criteria provided, multiple submitters, no conflicts (2 of 4 stars). 4 submissions from 4 submitters: Uncertain significance (3). 1 of the submissions does not count toward it. Last evaluated 2024-12-23.

Conditions:
Autosomal dominant aplasia and myelodysplasia. Also called: Bone marrow failure syndrome 1. Identifiers: Orphanet 314399, MedGen C3808553, MONDO:0013851, OMIM 614675.

Allele frequency attached by ClinVar (database versions not stated): TOPMed below 0.00001; gnomAD 0.00001; gnomAD exomes 0.00001.
gnomAD v4.1: 9 of 1,613,718 alleles (0.00056%); highest among the groups gnomAD compares: Non-Finnish European, 0.00076%; no homozygotes.

Submissions (4):

Ambry Genetics
Classification: Uncertain significance. Last evaluated: 2024-12-23. Review status: criteria provided, single submitter. Criteria: Ambry Variant Classification Scheme 2023. Collection method: clinical testing. Allele origin: germline.
Comment: The p.P257R variant (also known as c.770C>G), located in coding exon 8 of the SRP72 gene, results from a C to G substitution at nucleotide position 770. The proline at codon 257 is replaced by arginine, an amino acid with dissimilar properties. This amino acid position is conserved. In addition, this alteration is predicted to be deleterious by in silico analysis. Based on the available evidence, the clinical significance of this variant remains unclear.

Labcorp Genetics (formerly Invitae), Labcorp
Classification: Uncertain significance. Last evaluated: 2024-08-05. Review status: criteria provided, single submitter. Criteria: Invitae Variant Classification Sherloc (09022015). Collection method: clinical testing. Allele origin: germline.
Comment: This sequence change replaces proline, which is neutral and non-polar, with arginine, which is basic and polar, at codon 257 of the SRP72 protein (p.Pro257Arg). This variant is present in population databases (no rsID available, gnomAD 0.002%). This variant has not been reported in the literature in individuals affected with SRP72-related conditions. An algorithm developed to predict the effect of missense changes on protein structure and function (PolyPhen-2) suggests that this variant is likely to be disruptive. In summary, the available evidence is currently insufficient to determine the role of this variant in disease. Therefore, it has been classified as a Variant of Uncertain Significance.

Genetic Services Laboratory, University of Chicago
Classification: Uncertain significance. Last evaluated: 2023-02-23. Review status: criteria provided, single submitter. Criteria: ACMG Guidelines, 2015. Collection method: clinical testing. Allele origin: germline. Affected: no.
Comment: DNA sequence analysis of the SRP72 gene demonstrated a sequence change, c.770C>G, in exon 8 that results in an amino acid change, p.Pro257Arg. This sequence change does not appear to have been previously described in individuals with SRP72-related disorders. This sequence change has been described in the gnomAD database with a global frequency of 0.0007% (dbSNP rs1312827624). The p.Pro257Arg change affects a moderately conserved amino acid residue located in a domain of the SRP72 protein that is known to be functional. In-silico pathogenicity prediction tools (SIFT, PolyPhen2, Align GVGD, REVEL) provide contradictory results for the p.Pro257Arg substitution. Due to insufficient evidences and the lack of functional studies, the clinical significance of the p.Pro257Arg change remains unknown at this time.

Laboratory of Immunopathology and Genetics, Medical Laboratory of Pediatric Oncology and Hematology, Central Clinical Hospital of the Medical University of Lodz
Classification: Uncertain significance for Autosomal dominant aplasia and myelodysplasia. Last evaluated: 2024-12-01. Review status: no assertion criteria provided. Collection method: clinical testing. Allele origin: germline. Affected: yes. Observed: 1 variant allele. Not counted in ClinVar's aggregate classification.